The following is an entry in ClinVar:

ClinVar aggregate classification (germline): Uncertain significance (1 of 4 stars; one submission).

gnomAD v4.1: 2 of 1,612,180 alleles (0.00012%); highest among the groups gnomAD compares: Non-Finnish European, 0.00017%; no homozygotes.

Submission:

GeneDx
Classification: Uncertain significance. Last evaluated: 2025-06-13. Review status: criteria provided, single submitter. Criteria: GeneDx Variant Classification Process June 2021. Collection method: clinical testing. Allele origin: germline. Affected: yes.
Comment: Not observed at significant frequency in large population cohorts (gnomAD); Missense variant in a gene in which most reported pathogenic variants are truncating/loss of function; Has not been previously published as pathogenic or benign to our knowledge

NM_001267550.2(TTN):c.5461A>G (p.Arg1821Gly)

Gene: TTN (titin; minus strand). Cytogenetic location: 2q31.2.
Variant type: single nucleotide variant.
Coding change: c.5461A>G on transcript NM_001267550.2 (MANE Select); coding-DNA position 5461, A replaced by G.
Protein change: p.Arg1821Gly; replaces arginine 1821 with glycine.
Molecular consequence: missense variant.
Genome position (GRCh38, 1-based): chr2:178,776,403, T>C on the plus strand (A>G on the coding strand, the complement: TTN is on the minus strand). VCF-style: chr2-178776403-T-C. GRCh37 (hg19) VCF-style: chr2-179641130-T-C.
Other names: c.5461A>G, p.Arg1821Gly (NM_001256850.1, NM_133378.4, NM_133379.5); c.5323A>G, p.Arg1775Gly (NM_003319.4, NM_133432.3, NM_133437.4); short protein forms R1775G, R1821G.
Identifiers: ClinVar variation 4538682 (VCV004538682.1).
Genomic context (GRCh38, chr2:178,776,403, plus strand): 5'-GCTTTTGCTTTTCTTTCTGATCTGTTGTTACACCTGTAAGTGCACCTTCATGAGCCATTC[T>C]CTCTAATTCTTCAATTCTCTGTAAGCCTTTCCTCCCCTCAGGCAATTGGGATTCTTCCAC-3'
Protein context (NP_001254479.2, residues 1811-1831): KGLQRIEELE[Arg1821Gly]MAHEGALTGV